The following is an entry in ClinVar:

ClinVar aggregate classification (germline): Uncertain significance. Review status: criteria provided, multiple submitters, no conflicts (2 of 4 stars). 2 submissions from 2 submitters: Uncertain significance (2). Last evaluated 2024-05-18.

Conditions:
Hereditary breast ovarian cancer syndrome. Also called: Hereditary breast and ovarian cancer; Hereditary breast and ovarian cancer syndrome (HBOC); Breast and ovarian cancer; Hereditary breast and ovarian cancer syndrome; BRCA1- and BRCA2-Associated Hereditary Breast and Ovarian Cancer; Hereditary breast and/or ovarian cancer syndrome. Identifiers: Orphanet 145, MedGen C0677776, MeSH D061325, MONDO:0003582. Disease mechanism: loss of function.
Hereditary cancer-predisposing syndrome. Also called: Tumor predisposition; Neoplastic Syndromes, Hereditary; Hereditary neoplastic syndrome; Hereditary Cancer Syndrome. Identifiers: Orphanet 140162, MedGen C0027672, MeSH D009386, MONDO:0015356.

Submissions (2):

Labcorp Genetics (formerly Invitae), Labcorp
Classification: Uncertain significance for Hereditary breast ovarian cancer syndrome. Last evaluated: 2024-05-18. Review status: criteria provided, single submitter. Criteria: Invitae Variant Classification Sherloc (09022015). Collection method: clinical testing. Allele origin: germline.
Comment: This sequence change replaces serine, which is neutral and polar, with arginine, which is basic and polar, at codon 3396 of the BRCA2 protein (p.Ser3396Arg). This variant is not present in population databases (gnomAD no frequency). This missense change has been observed in individual(s) with breast cancer (PMID: 29884136). ClinVar contains an entry for this variant (Variation ID: 630704). Advanced modeling of protein sequence and biophysical properties (such as structural, functional, and spatial information, amino acid conservation, physicochemical variation, residue mobility, and thermodynamic stability) performed at Invitae indicates that this missense variant is not expected to disrupt BRCA2 protein function with a negative predictive value of 95%. In summary, the available evidence is currently insufficient to determine the role of this variant in disease. Therefore, it has been classified as a Variant of Uncertain Significance.

Color Diagnostics, LLC DBA Color Health
Classification: Uncertain significance for Hereditary cancer-predisposing syndrome. Last evaluated: 2020-11-29. Review status: criteria provided, single submitter. Criteria: ACMG Guidelines, 2015. Collection method: clinical testing. Allele origin: germline.
Comment: This missense variant replaces serine with arginine at codon 3396 of the BRCA2 protein. Computational prediction suggests that this variant may not impact protein structure and function (internally defined REVEL score threshold <= 0.5, PMID: 27666373). To our knowledge, functional studies have not been reported for this variant. This variant has not been reported in individuals affected with hereditary cancer in the literature. This variant has not been identified in the general population by the Genome Aggregation Database (gnomAD). The available evidence is insufficient to determine the role of this variant in disease conclusively. Therefore, this variant is classified as a Variant of Uncertain Significance.

Literature cited by the submitters: PubMed 29884136 (cited by Labcorp Genetics (formerly Invitae), Labcorp).

NM_000059.4(BRCA2):c.10188T>A (p.Ser3396Arg)

Gene: BRCA2 (BRCA2 DNA repair associated; plus strand). Cytogenetic location: 13q13.1.
Variant type: single nucleotide variant.
Coding change: c.10188T>A on transcript NM_000059.4 (MANE Select); coding-DNA position 10188, T replaced by A.
Protein change: p.Ser3396Arg; replaces serine 3396 with arginine.
Molecular consequence: missense variant.
Genome position (GRCh38, 1-based): chr13:32,398,701, T>A. VCF-style: chr13-32398701-T-A. GRCh37 (hg19) VCF-style: chr13-32972838-T-A.
Other names: short protein forms S3396R.
Identifiers: ClinVar variation 630704 (VCV000630704.8), dbSNP rs776043746, ClinGen allele CA387768342.